The following is an entry in ClinVar:

ClinVar aggregate classification (germline): Likely benign (1 of 4 stars; one submission).

Submission:

CeGaT Center for Human Genetics Tuebingen
Classification: Likely benign. Last evaluated: 2025-09-01. Review status: criteria provided, single submitter. Criteria: CeGaT Center For Human Genetics Tuebingen Variant Classification Criteria Version 2. Collection method: clinical testing. Allele origin: germline. Affected: yes. Observed: 1 variant allele.
Comment: FLG: BP4

NM_002016.2(FLG):c.10159C>A (p.Leu3387Ile)

Genes: CCDST (cervical cancer associated DHX9 suppressive transcript; plus strand), FLG (filaggrin; minus strand). Cytogenetic location: 1q21.3.
Variant type: single nucleotide variant.
Coding change: c.10159C>A on transcript NM_002016.2 (MANE Select); coding-DNA position 10159, C replaced by A.
Protein change: p.Leu3387Ile; replaces leucine 3387 with isoleucine.
Molecular consequence: missense variant.
Genome position (GRCh38, 1-based): chr1:152,304,727, G>T on the plus strand (C>A on the coding strand, the complement: FLG is on the minus strand). VCF-style: chr1-152304727-G-T. GRCh37 (hg19) VCF-style: chr1-152277203-G-T.
Other names: short protein forms L3387I.
Identifiers: ClinVar variation 4280995 (VCV004280995.7).
Genomic context (GRCh38, chr1:152,304,727, plus strand): 5'-TGCTGGTCCTGGTCCGCCCATGGGCAGACTCAGACTGTTCATGAGTGCTCACCTGGTAGA[G>T]GAAAGACCCTGAACGTCCAGACCTTCCCCCTGACCGGTCACGTGCGGACTCTTGGTGGCT-3'
Protein context (NP_002007.1, residues 3377-3397): GGRSGRSGSF[Leu3387Ile]YQVSTHEQSE